The following is an entry in ClinVar:

ClinVar aggregate classification (germline): Uncertain significance (1 of 4 stars; one submission).

Conditions:
Cardiovascular phenotype. Identifiers: MedGen CN230736.

Submission:

Ambry Genetics
Classification: Uncertain significance for Cardiovascular phenotype. Last evaluated: 2023-04-28. Review status: criteria provided, single submitter. Criteria: Ambry Variant Classification Scheme 2023. Collection method: clinical testing. Allele origin: germline.
Comment: The p.S111C variant (also known as c.331A>T), located in coding exon 1 of the FOXE3 gene, results from an A to T substitution at nucleotide position 331. The serine at codon 111 is replaced by cysteine, an amino acid with dissimilar properties. This amino acid position is conserved. In addition, the in silico prediction for this alteration is inconclusive. Since supporting evidence is limited at this time, the clinical significance of this alteration remains unclear.

NM_012186.3(FOXE3):c.331A>T (p.Ser111Cys)

Genes: FOXE3 (forkhead box E3; plus strand), LINC01389 (long intergenic non-protein coding RNA 1389; minus strand). Cytogenetic location: 1p33.
Variant type: single nucleotide variant.
Coding change: c.331A>T on transcript NM_012186.3 (MANE Select); coding-DNA position 331, A replaced by T.
Protein change: p.Ser111Cys; replaces serine 111 with cysteine.
Molecular consequence: missense variant.
Genome position (GRCh38, 1-based): chr1:47,416,646, A>T. VCF-style: chr1-47416646-A-T. GRCh37 (hg19) VCF-style: chr1-47882318-A-T.
Other names: short protein forms S111C.
Identifiers: ClinVar variation 2563300 (VCV002563300.2), dbSNP rs2521317549, ClinGen allele CA340249591.
Genomic context (GRCh38, chr1:47,416,646, plus strand): 5'-CGCCTCACGCTGGCCGCCATCTACCGCTTCATCACCGAACGCTTTGCCTTCTACCGCGAC[A>T]GCCCGCGCAAGTGGCAGAACAGCATCCGCCACAATCTCACGCTCAACGACTGCTTCGTCA-3'
Protein context (NP_036318.1, residues 101-121): ITERFAFYRD[Ser111Cys]PRKWQNSIRH